The following is an entry in ClinVar:

ClinVar aggregate classification (germline): Uncertain significance (1 of 4 stars; one submission).

Conditions:
Chédiak-Higashi syndrome (CHS). Also called: Chediak-Higashi Syndrome. Identifiers: Orphanet 167, MedGen C0007965, MONDO:0008963, OMIM 214500.

Submission:

Labcorp Genetics (formerly Invitae), Labcorp
Classification: Uncertain significance for Chédiak-Higashi syndrome. Last evaluated: 2024-12-19. Review status: criteria provided, single submitter. Criteria: Invitae Variant Classification Sherloc (09022015). Collection method: clinical testing. Allele origin: germline.
Comment: This sequence change creates a premature translational stop signal (p.Thr3736Lysfs*18) in the LYST gene. While this is not anticipated to result in nonsense mediated decay, it is expected to disrupt the last 66 amino acid(s) of the LYST protein. This variant is not present in population databases (gnomAD no frequency). This variant has not been reported in the literature in individuals affected with LYST-related conditions. In summary, the available evidence is currently insufficient to determine the role of this variant in disease. Therefore, it has been classified as a Variant of Uncertain Significance.

NM_000081.4(LYST):c.11203_11206dup (p.Thr3736fs)

Gene: LYST (lysosomal trafficking regulator; minus strand). Cytogenetic location: 1q42.3.
Variant type: Duplication.
Coding change: c.11203_11206dup on transcript NM_000081.4 (MANE Select); coding-DNA positions 11203 to 11206, 4 bases duplicated (AGCA; older notation c.11203_11206dupAGCA).
Protein change: p.Thr3736fs; shifts the reading frame from threonine 3736.
Molecular consequence: frameshift variant.
Genome position (GRCh38, 1-based): chr1:235,664,045-235,664,048, TGCT duplicated on the plus strand (AGCA on the coding strand, the reverse complement: LYST is on the minus strand). VCF-style (leftmost placement, unchanged base first): chr1-235664044-G-GTGCT. GRCh37 (hg19) VCF-style: chr1-235827344-G-GTGCT.
Other names: c.11203_11206dup, p.Thr3736fs (NM_001301365.1); short protein forms T3736fs.
Identifiers: ClinVar variation 3727614 (VCV003727614.2).